The following is an entry in ClinVar:

ClinVar aggregate classification (germline): Conflicting classifications of pathogenicity. Review status: criteria provided, conflicting classifications (1 of 4 stars). 2 submissions from 2 submitters: Uncertain significance (1); Likely benign (1). Last evaluated 2025-02-18.

Conditions:
Hereditary cancer-predisposing syndrome. Also called: Hereditary Cancer Syndrome; Hereditary neoplastic syndrome; Neoplastic Syndromes, Hereditary; Tumor predisposition. Identifiers: Orphanet 140162, MedGen C0027672, MeSH D009386, MONDO:0015356.
Fanconi anemia complementation group O. Also called: RAD51C-Related Fanconi Anemia. Identifiers: Orphanet 84, MedGen C3150653, MONDO:0013248, OMIM 613390.

Submissions (2):

Labcorp Genetics (formerly Invitae), Labcorp
Classification: Uncertain significance for Fanconi anemia complementation group O. Last evaluated: 2025-02-18. Review status: criteria provided, single submitter. Criteria: Invitae Variant Classification Sherloc (09022015). Collection method: clinical testing. Allele origin: germline.
Comment: This sequence change affects codon 322 of the RAD51C mRNA. It is a 'silent' change, meaning that it does not change the encoded amino acid sequence of the RAD51C protein. It affects a nucleotide within the consensus splice site. This variant is not present in population databases (gnomAD no frequency). This variant has not been reported in the literature in individuals affected with RAD51C-related conditions. ClinVar contains an entry for this variant (Variation ID: 924258). Algorithms developed to predict the effect of sequence changes on RNA splicing suggest that this variant is not likely to affect RNA splicing. In summary, the available evidence is currently insufficient to determine the role of this variant in disease. Therefore, it has been classified as a Variant of Uncertain Significance.

Color Diagnostics, LLC DBA Color Health
Classification: Likely benign for Hereditary cancer-predisposing syndrome. Last evaluated: 2020-04-13. Review status: criteria provided, single submitter. Criteria: ACMG Guidelines, 2015. Collection method: clinical testing. Allele origin: germline.

NM_058216.3(RAD51C):c.966G>A (p.Arg322=)

Gene: RAD51C (RAD51 paralog C; plus strand). Cytogenetic location: 17q22.
Variant type: single nucleotide variant.
Coding change: c.966G>A on transcript NM_058216.3 (MANE Select); coding-DNA position 966, G replaced by A.
Protein change: p.Arg322=; no amino-acid change (arginine 322 retained).
Molecular consequence: synonymous variant. On other transcripts: non-coding transcript variant (1).
Genome position (GRCh38, 1-based): chr17:58,732,484, G>A. VCF-style: chr17-58732484-G-A. GRCh37 (hg19) VCF-style: chr17-56809845-G-A.
Identifiers: ClinVar variation 924258 (VCV000924258.7), dbSNP rs1567817289, ClinGen allele CA400364830.